The following is an entry in ClinVar:

NM_003086.4(SNAPC4):c.1624A>C (p.Ser542Arg)

Gene: SNAPC4 (small nuclear RNA activating complex polypeptide 4; minus strand). Cytogenetic location: 9q34.3.
Variant type: single nucleotide variant.
Coding change: c.1624A>C on transcript NM_003086.4 (MANE Select); coding-DNA position 1624, A replaced by C.
Protein change: p.Ser542Arg; replaces serine 542 with arginine.
Molecular consequence: missense variant.
Genome position (GRCh38, 1-based): chr9:136,383,545, T>G on the plus strand (A>C on the coding strand, the complement: SNAPC4 is on the minus strand). VCF-style: chr9-136383545-T-G. GRCh37 (hg19) VCF-style: chr9-139277997-T-G.
Other names: c.1624A>C, p.Ser542Arg (NM_001394201.1, NM_001394202.1, NM_001394203.1); short protein forms S542R.
Identifiers: ClinVar variation 4821765 (VCV004821765.4).
Genomic context (GRCh38, chr9:136,383,545, plus strand): 5'-GGGACAGCAGCGCTCTGTCACCCTCCCCGGCCTGCGCCTGCTCTGGCTCGTCCTCCTCGC[T>G]GCTGCTGCTGCTGCTGCTGCTGCTCCCTCCACTGCTGCCACTGCTGCTGCCGCTGCTGCT-3'
Protein context (NP_003077.2, residues 532-552): GGSSSSSSSS[Ser542Arg]EEDEPEQAQA

ClinVar aggregate classification (germline): Uncertain significance (1 of 4 stars; one submission).

Submission:

CeGaT Center for Human Genetics Tuebingen
Classification: Uncertain significance. Last evaluated: 2026-03-01. Review status: criteria provided, single submitter. Criteria: CeGaT Center For Human Genetics Tuebingen Variant Classification Criteria Version 2. Collection method: clinical testing. Allele origin: germline. Affected: yes. Observed: 1 variant allele.
Comment: SNAPC4: PM2